The following is an entry in ClinVar:

NM_000059.4(BRCA2):c.398C>T (p.Pro133Leu)

Gene: BRCA2 (BRCA2 DNA repair associated; plus strand). Cytogenetic location: 13q13.1.
Variant type: single nucleotide variant.
Coding change: c.398C>T on transcript NM_000059.4 (MANE Select); coding-DNA position 398, C replaced by T.
Protein change: p.Pro133Leu; replaces proline 133 with leucine.
Molecular consequence: missense variant.
Genome position (GRCh38, 1-based): chr13:32,325,157, C>T. VCF-style: chr13-32325157-C-T. GRCh37 (hg19) VCF-style: chr13-32899294-C-T.
Other names: c.398C>T, p.Pro133Leu (NM_001406719.1, NM_001406720.1, NM_001406721.1); c.29C>T, p.Pro10Leu (NM_001406722.1); short protein forms P133L, P10L.
Identifiers: ClinVar variation 2119242 (VCV002119242.4), dbSNP rs2137446817, ClinGen allele CA387756702.

ClinVar aggregate classification (germline): Uncertain significance (1 of 4 stars; one submission).

Conditions:
Hereditary breast ovarian cancer syndrome. Also called: Hereditary breast and ovarian cancer syndrome (HBOC); Hereditary breast and/or ovarian cancer syndrome; Hereditary breast and ovarian cancer; BRCA1- and BRCA2-Associated Hereditary Breast and Ovarian Cancer; Breast and ovarian cancer; Hereditary breast and ovarian cancer syndrome. Identifiers: Orphanet 145, MedGen C0677776, MeSH D061325, MONDO:0003582. Disease mechanism: loss of function.

Allele frequency attached by ClinVar (database versions not stated): gnomAD exomes below 0.00001.
gnomAD v4.1: 3 of 1,601,518 alleles (0.00019%); highest among the groups gnomAD compares: Non-Finnish European, 0.00026%; no homozygotes.

Submission:

Labcorp Genetics (formerly Invitae), Labcorp
Classification: Uncertain significance for Hereditary breast ovarian cancer syndrome. Last evaluated: 2024-06-03. Review status: criteria provided, single submitter. Criteria: Invitae Variant Classification Sherloc (09022015). Collection method: clinical testing. Allele origin: germline.
Comment: This sequence change replaces proline, which is neutral and non-polar, with leucine, which is neutral and non-polar, at codon 133 of the BRCA2 protein (p.Pro133Leu). This variant is not present in population databases (gnomAD no frequency). This variant has not been reported in the literature in individuals affected with BRCA2-related conditions. ClinVar contains an entry for this variant (Variation ID: 2119242). Advanced modeling of protein sequence and biophysical properties (such as structural, functional, and spatial information, amino acid conservation, physicochemical variation, residue mobility, and thermodynamic stability) performed at Invitae indicates that this missense variant is not expected to disrupt BRCA2 protein function with a negative predictive value of 95%. In summary, the available evidence is currently insufficient to determine the role of this variant in disease. Therefore, it has been classified as a Variant of Uncertain Significance.